The following is an entry in ClinVar:

ClinVar aggregate classification (germline): Uncertain significance (1 of 4 stars; one submission).

Conditions:
Gorlin syndrome. Also called: Nevoid Basal Cell Carcinoma Syndrome; Basal cell nevus syndrome. Identifiers: Orphanet 377, MedGen C0004779, MONDO:0007187.

Submission:

Labcorp Genetics (formerly Invitae), Labcorp
Classification: Uncertain significance for Gorlin syndrome. Last evaluated: 2024-09-13. Review status: criteria provided, single submitter. Criteria: Invitae Variant Classification Sherloc (09022015). Collection method: clinical testing. Allele origin: germline.
Comment: This sequence change creates a premature translational stop signal (p.Gln1433*) in the PTCH1 gene. While this is not anticipated to result in nonsense mediated decay, it is expected to disrupt the last 15 amino acid(s) of the PTCH1 protein. This variant is not present in population databases (gnomAD no frequency). This variant has not been reported in the literature in individuals affected with PTCH1-related conditions. In summary, the available evidence is currently insufficient to determine the role of this variant in disease. Therefore, it has been classified as a Variant of Uncertain Significance.

NM_000264.5(PTCH1):c.4297C>T (p.Gln1433Ter)

Gene: PTCH1 (patched 1; minus strand). Cytogenetic location: 9q22.32.
Variant type: single nucleotide variant.
Coding change: c.4297C>T on transcript NM_000264.5 (MANE Select); coding-DNA position 4297, C replaced by T.
Protein change: p.Gln1433Ter; replaces glutamine 1433 with a stop codon.
Molecular consequence: nonsense. On other transcripts: non-coding transcript variant (1).
Genome position (GRCh38, 1-based): chr9:95,446,959, G>A on the plus strand (C>T on the coding strand, the complement: PTCH1 is on the minus strand). VCF-style: chr9-95446959-G-A. GRCh37 (hg19) VCF-style: chr9-98209241-G-A.
Other names: c.4099C>T, p.Gln1367Ter (NM_001083602.3); c.4294C>T, p.Gln1432Ter (NM_001083603.3); c.3844C>T, p.Gln1282Ter (NM_001083604.3, NM_001083605.3, NM_001083606.3 and 1 more transcripts); c.4141C>T, p.Gln1381Ter (NM_001354918.2); short protein forms Q1282*, Q1367*, Q1432*, Q1381*, Q1433*.
Identifiers: ClinVar variation 3659184 (VCV003659184.2).